The following is an entry in ClinVar:

ClinVar aggregate classification (germline): Likely benign (1 of 4 stars; one submission).

Allele frequency attached by ClinVar (database versions not stated): 1000 Genomes Project 0.00919; 1000 Genomes Project 30x 0.00968; TOPMed 0.01509; gnomAD 0.02050.
gnomAD v4.1: 2,578 of 152,216 alleles (1.7%); highest among the groups gnomAD compares: Middle Eastern, 3.4%; 25 homozygotes.

Submission:

GeneDx
Classification: Likely benign. Last evaluated: 2018-06-14. Review status: criteria provided, single submitter. Criteria: GeneDx Variant Classification (06012015). Collection method: clinical testing. Allele origin: germline. Affected: yes.
Comment: This variant is considered likely benign or benign based on one or more of the following criteria: it is a conservative change, it occurs at a poorly conserved position in the protein, it is predicted to be benign by multiple in silico algorithms, and/or has population frequency not consistent with disease.

NM_020312.4(COQ9):c.379-273G>C

Gene: COQ9 (coenzyme Q9; plus strand). Cytogenetic location: 16q21.
Variant type: single nucleotide variant.
Coding change: c.379-273G>C on transcript NM_020312.4 (MANE Select); 273 bases into the intron before coding-DNA position 379, G replaced by C.
Molecular consequence: intron variant.
Genome position (GRCh38, 1-based): chr16:57,456,231, G>C. VCF-style: chr16-57456231-G-C. GRCh37 (hg19) VCF-style: chr16-57490143-G-C.
Identifiers: ClinVar variation 672513 (VCV000672513.1), dbSNP rs77838762, ClinGen allele CA281551063.